The following is an entry in ClinVar:

ClinVar aggregate classification (germline): Uncertain significance (1 of 4 stars; one submission).

Conditions:
Joubert syndrome. Also called: Familial aplasia of the vermis; CEREBELLOPARENCHYMAL DISORDER IV; JOUBERT-BOLTSHAUSER SYNDROME. Identifiers: Orphanet 475, MedGen C5979921, MONDO:0018772.

gnomAD v4.1: 1 of 1,612,036 alleles (0.000062%); highest among the groups gnomAD compares: Non-Finnish European, 0.000085%; no homozygotes.

Submission:

Labcorp Genetics (formerly Invitae), Labcorp
Classification: Uncertain significance for Joubert syndrome. Last evaluated: 2025-07-31. Review status: criteria provided, single submitter. Criteria: Invitae Variant Classification Sherloc (09022015). Collection method: clinical testing. Allele origin: germline.
Comment: This sequence change replaces serine, which is neutral and polar, with cysteine, which is neutral and slightly polar, at codon 203 of the INPP5E protein (p.Ser203Cys). This variant is present in population databases (no rsID available, gnomAD 0.0009%). This variant has not been reported in the literature in individuals affected with INPP5E-related conditions. ClinVar contains an entry for this variant (Variation ID: 1035429). Invitae Evidence Modeling of protein sequence and biophysical properties (such as structural, functional, and spatial information, amino acid conservation, physicochemical variation, residue mobility, and thermodynamic stability) has been performed for this missense variant. However, the output from this modeling did not meet the statistical confidence thresholds required to predict the impact of this variant on INPP5E protein function. In summary, the available evidence is currently insufficient to determine the role of this variant in disease. Therefore, it has been classified as a Variant of Uncertain Significance.

NM_019892.6(INPP5E):c.608C>G (p.Ser203Cys)

Gene: INPP5E (inositol polyphosphate-5-phosphatase E; minus strand). Cytogenetic location: 9q34.3.
Variant type: single nucleotide variant.
Coding change: c.608C>G on transcript NM_019892.6 (MANE Select); coding-DNA position 608, C replaced by G.
Protein change: p.Ser203Cys; replaces serine 203 with cysteine.
Molecular consequence: missense variant.
Genome position (GRCh38, 1-based): chr9:136,438,812, G>C on the plus strand (C>G on the coding strand, the complement: INPP5E is on the minus strand). VCF-style: chr9-136438812-G-C. GRCh37 (hg19) VCF-style: chr9-139333264-G-C.
Other names: c.608C>G, p.Ser203Cys (NM_001318502.2); short protein forms S203C.
Identifiers: ClinVar variation 1035429 (VCV001035429.7), dbSNP rs1214397440, ClinGen allele CA375568211.
Genomic context (GRCh38, chr9:136,438,812, plus strand): 5'-GCGCGGAGCTTGTAGTCTGCAAGATCCGAGTCGACCTTGTTTGCTGTCCTCAGGGAGTCG[G>C]AGGCGATGTCCAGGCTCAGGGCAGGCGGTGGGCGCGGGGGCAGCAGGCTGGGCAGCCTGG-3'
Protein context (NP_063945.2, residues 193-213): PPPALSLDIA[Ser203Cys]DSLRTANKVD